The following is an entry in ClinVar:

ClinVar aggregate classification (germline): Pathogenic/Likely pathogenic. Review status: criteria provided, multiple submitters, no conflicts (2 of 4 stars). 2 submissions from 2 submitters: Pathogenic (1); Likely pathogenic (1). Last evaluated 2024-06-25.

Conditions:
Finnish congenital nephrotic syndrome (NPHS1). Also called: NEPHROTIC SYNDROME, TYPE 1. Identifiers: Orphanet 839, MedGen C0403399, MONDO:0009732, OMIM 256300.

Submissions (2):

Natera, Inc.
Classification: Likely pathogenic for Finnish congenital nephrotic syndrome. Last evaluated: 2024-06-25. Review status: criteria provided, single submitter. Criteria: Natera Variant Classification Schema (03/2026). Collection method: clinical testing. Allele origin: germline.
Comment: The c.2199dup variant in NPHS1 is a frameshift variant predicted to shift the reading frame beginning at codon 734 and leads to a stop codon 17 codons downstream. This variant is expected to result in nonsense mediated decay, truncation, or a dysfunctional protein product. This variant is rare in the general population with a frequency below the threshold expected for the associated phenotype(s). Given the available evidence, this variant is classified as Likely Pathogenic.

Labcorp Genetics (formerly Invitae), Labcorp
Classification: Pathogenic. Last evaluated: 2023-06-04. Review status: criteria provided, single submitter. Criteria: Invitae Variant Classification Sherloc (09022015). Collection method: clinical testing. Allele origin: germline.
Comment: This variant is present in population databases (rs765740067, gnomAD 0.0009%). This sequence change creates a premature translational stop signal (p.Leu734Alafs*17) in the NPHS1 gene. It is expected to result in an absent or disrupted protein product. Loss-of-function variants in NPHS1 are known to be pathogenic (PMID: 11317351, 11854170, 12039988). This variant has not been reported in the literature in individuals affected with NPHS1-related conditions. For these reasons, this variant has been classified as Pathogenic.

Literature cited by the submitters: PubMed 11317351 (cited by Labcorp Genetics (formerly Invitae), Labcorp); PubMed 11854170 (cited by Labcorp Genetics (formerly Invitae), Labcorp); PubMed 12039988 (cited by Labcorp Genetics (formerly Invitae), Labcorp).

NM_004646.4(NPHS1):c.2199dup (p.Leu734fs)

Gene: NPHS1 (NPHS1 adhesion molecule, nephrin; minus strand). Cytogenetic location: 19q13.12.
Variant type: Duplication.
Coding change: c.2199dup on transcript NM_004646.4 (MANE Select); coding-DNA position 2199, one base duplicated (G; older notation c.2199dupG).
Protein change: p.Leu734fs; shifts the reading frame from leucine 734.
Molecular consequence: frameshift variant.
Genome position (GRCh38, 1-based): chr19:35,844,116, C duplicated on the plus strand (G on the coding strand, the reverse complement: NPHS1 is on the minus strand); the first of 2 consecutive C bases (chr19:35,844,116-35,844,117); duplicating either gives the same sequence. VCF-style (leftmost placement, unchanged base first): chr19-35844115-G-GC. GRCh37 (hg19) VCF-style: chr19-36335017-G-GC.
Other names: c.2199dup (NM_004646.3); short protein forms L734fs.
Identifiers: ClinVar variation 3014361 (VCV003014361.4), dbSNP rs765740067, ClinGen allele CA9390210.